The following is an entry in ClinVar:

ClinVar aggregate classification (germline): Uncertain significance. Review status: criteria provided, multiple submitters, no conflicts (2 of 4 stars). 2 submissions from 2 submitters: Uncertain significance (2). Last evaluated 2025-07-22.

Conditions:
3-methylglutaconic aciduria, type VIIB (MGCA7B). Also called: CLPB Deficiency; 3-methylglutaconic aciduria, type VII, with cataracts, neurologic involvement and neutropenia; 3-methylglutaconic aciduria with cataracts, neurologic involvement and neutropenia. Identifiers: Orphanet 445038, MedGen C5676893, MONDO:0014561, OMIM 616271.

Allele frequency attached by ClinVar (database versions not stated): ExAC 0.00001; gnomAD 0.00001; TOPMed 0.00001.
gnomAD v4.1: 2 of 1,614,052 alleles (0.00012%); highest among the groups gnomAD compares: Middle Eastern, 0.016%; no homozygotes.

Submissions (2):

Women's Health and Genetics/Laboratory Corporation of America, LabCorp
Classification: Uncertain significance. Last evaluated: 2025-07-22. Review status: criteria provided, single submitter. Criteria: LabCorp Variant Classification Summary - May 2015. Collection method: clinical testing. Allele origin: germline.
Comment: Variant summary: CLPB c.2027C>G (p.Pro676Arg) results in a non-conservative amino acid change in the encoded protein sequence. Algorithms developed to predict the effect of missense changes on protein structure and function are either unavailable or do not agree on the potential impact of this missense change. The variant allele was found at a frequency of 4e-06 in 251402 control chromosomes. The available data on variant occurrences in the general population are insufficient to allow any conclusion about variant significance. To our knowledge, no occurrence of c.2027C>G in individuals affected with 3-Methylglutaconic Aciduria, Type VIIB and no experimental evidence demonstrating its impact on protein function have been reported. ClinVar contains an entry for this variant (Variation ID: 969064). Based on the evidence outlined above, the variant was classified as uncertain significance.

Labcorp Genetics (formerly Invitae), Labcorp
Classification: Uncertain significance for 3-methylglutaconic aciduria, type VIIB. Last evaluated: 2022-02-03. Review status: criteria provided, single submitter. Criteria: Invitae Variant Classification Sherloc (09022015). Collection method: clinical testing. Allele origin: germline.
Comment: In summary, the available evidence is currently insufficient to determine the role of this variant in disease. Therefore, it has been classified as a Variant of Uncertain Significance. This sequence change replaces proline, which is neutral and non-polar, with arginine, which is basic and polar, at codon 676 of the CLPB protein (p.Pro676Arg). This variant is present in population databases (rs201668123, gnomAD 0.0009%). This variant has not been reported in the literature in individuals affected with CLPB-related conditions. ClinVar contains an entry for this variant (Variation ID: 969064). Algorithms developed to predict the effect of missense changes on protein structure and function are either unavailable or do not agree on the potential impact of this missense change (SIFT: "Deleterious"; PolyPhen-2: "Benign"; Align-GVGD: "Class C0").

NM_001258392.3(CLPB):c.1937C>G (p.Pro646Arg)

Gene: CLPB (ClpB family mitochondrial disaggregase; minus strand). Cytogenetic location: 11q13.4.
Variant type: single nucleotide variant.
Coding change: c.1937C>G on transcript NM_001258392.3 (MANE Select); coding-DNA position 1937, C replaced by G.
Protein change: p.Pro646Arg; replaces proline 646 with arginine.
Molecular consequence: missense variant.
Genome position (GRCh38, 1-based): chr11:72,293,464, G>C on the plus strand (C>G on the coding strand, the complement: CLPB is on the minus strand). VCF-style: chr11-72293464-G-C. GRCh37 (hg19) VCF-style: chr11-72004508-G-C.
Other names: c.1850C>G, p.Pro617Arg (NM_001258393.3); c.1892C>G, p.Pro631Arg (NM_001258394.3); c.2027C>G, p.Pro676Arg (NM_030813.6); short protein forms P676R, P617R, P631R, P646R.
Identifiers: ClinVar variation 969064 (VCV000969064.11), dbSNP rs201668123, ClinGen allele CA6170987.